The following is an entry in ClinVar:

ClinVar aggregate classification (germline): Uncertain significance (1 of 4 stars; one submission).

Conditions:
Cardiomyopathy (CMYO). Also called: Cardiomyopathies. Identifiers: Orphanet 167848, MedGen C0878544, MONDO:0004994, HP:0001638. Inheritance: Various modes of inheritance.

Submission:

Color Diagnostics, LLC DBA Color Health
Classification: Uncertain significance for Cardiomyopathy. Last evaluated: 2022-11-21. Review status: criteria provided, single submitter. Criteria: ACMG Guidelines, 2015. Collection method: clinical testing. Allele origin: germline.
Comment: This missense variant replaces proline with histidine at codon 292 of the DSC2 protein. Computational prediction suggests that this variant may not impact protein structure and function (internally defined REVEL score threshold <= 0.5, PMID: 27666373). To our knowledge, functional studies have not been reported for this variant. This variant has not been reported in individuals affected with DSC2-related disorders in the literature. This variant has not been identified in the general population by the Genome Aggregation Database (gnomAD). The available evidence is insufficient to determine the role of this variant in disease conclusively. Therefore, this variant is classified as a Variant of Uncertain Significance.

NM_024422.6(DSC2):c.875C>A (p.Pro292His)

Gene: DSC2 (desmocollin 2; minus strand). Cytogenetic location: 18q12.1.
Variant type: single nucleotide variant.
Coding change: c.875C>A on transcript NM_024422.6 (MANE Select); coding-DNA position 875, C replaced by A.
Protein change: p.Pro292His; replaces proline 292 with histidine.
Molecular consequence: missense variant.
Genome position (GRCh38, 1-based): chr18:31,086,643, G>T on the plus strand (C>A on the coding strand, the complement: DSC2 is on the minus strand). VCF-style: chr18-31086643-G-T. GRCh37 (hg19) VCF-style: chr18-28666606-G-T.
Other names: c.446C>A, p.Pro149His (NM_001406506.1, NM_001406507.1); c.875C>A, p.Pro292His (NM_004949.5); short protein forms P292H, P149H.
Identifiers: ClinVar variation 2775186 (VCV002775186.2), dbSNP rs2510951225, ClinGen allele CA402112045.